The following is an entry in ClinVar:

NM_000548.5(TSC2):c.2049C>A (p.Ser683=)

Gene: TSC2 (TSC complex subunit 2; plus strand). Cytogenetic location: 16p13.3.
Variant type: single nucleotide variant.
Coding change: c.2049C>A on transcript NM_000548.5 (MANE Select); coding-DNA position 2049, C replaced by A.
Protein change: p.Ser683=; no amino-acid change (serine 683 retained).
Molecular consequence: synonymous variant.
Genome position (GRCh38, 1-based): chr16:2,071,886, C>A. VCF-style: chr16-2071886-C-A. GRCh37 (hg19) VCF-style: chr16-2121887-C-A.
Other names: c.2082C>A, p.Ser694= (NM_001318832.2); c.2049C>A, p.Ser683= (NM_001363528.2, NM_001370404.1, NM_001370405.1 and 3 more transcripts); c.1938C>A, p.Ser646= (NM_001318827.2); c.1902C>A, p.Ser634= (NM_001318829.2); c.1449C>A, p.Ser483= (NM_001318831.2).
Identifiers: ClinVar variation 648929 (VCV000648929.10), dbSNP rs569518378, ClinGen allele CA493042612.

ClinVar aggregate classification (germline): Benign/Likely benign. Review status: criteria provided, multiple submitters, no conflicts (2 of 4 stars). 3 submissions from 3 submitters: Benign (1); Likely benign (2). Last evaluated 2025-05-16.

Conditions:
Tuberous sclerosis 2 (TSC2). Identifiers: Orphanet 805, MedGen C1860707, MONDO:0013199, OMIM 613254.
Tuberous sclerosis syndrome (TSC). Also called: Tuberous sclerosis; Tuberous Sclerosis Complex. Identifiers: Orphanet 805, MedGen C0041341, MONDO:0001734.

Submissions (3):

Myriad Genetics, Inc.
Classification: Benign for Tuberous sclerosis 2. Last evaluated: 2025-05-16. Review status: criteria provided, single submitter. Criteria: Myriad Autosomal Dominant, Autosomal Recessive and X-Linked Classification Criteria (2023). Collection method: clinical testing. Allele origin: unknown.
Comment: This variant is considered benign. This variant is a silent/synonymous amino acid change and it is not expected to impact splicing.

Labcorp Genetics (formerly Invitae), Labcorp
Classification: Likely benign for Tuberous sclerosis 2. Last evaluated: 2024-02-17. Review status: criteria provided, single submitter. Criteria: Invitae Variant Classification Sherloc (09022015). Collection method: clinical testing. Allele origin: germline.

All of Us Research Program, National Institutes of Health
Classification: Likely benign for Tuberous sclerosis syndrome. Last evaluated: 2023-11-02. Review status: criteria provided, single submitter. Criteria: ACMG Guidelines, 2015. Collection method: clinical testing. Allele origin: germline. Inheritance: Autosomal dominant inheritance. Observed: 1 variant allele, 1 heterozygote.
Comment: This study involves interpretation of variants in research participants for the purpose of population health screening. Participant phenotype was not available at the time of variant classification. Additional details can be found in publication PMID: 35346344, PMCID: PMC8962531